The following is an entry in ClinVar:

ClinVar aggregate classification (germline): Uncertain significance (1 of 4 stars; one submission).

Conditions:
Progressive sclerosing poliodystrophy (MTDPS4A). Also called: ALPERS PROGRESSIVE INFANTILE POLIODYSTROPHY; NEURONAL DEGENERATION OF CHILDHOOD WITH LIVER DISEASE, PROGRESSIVE; Mitochondrial DNA depletion syndrome 4A (Alpers type); Mitochondrial DNA Depletion Syndrome 4A; Alpers-Huttenlocher Syndrome (AHS); Alpers Syndrome. Identifiers: Orphanet 726, MedGen C0205710, MONDO:0008758, OMIM 203700.

Submission:

3billion
Classification: Uncertain significance for Progressive sclerosing poliodystrophy. Last evaluated: 2023-06-07. Review status: criteria provided, single submitter. Criteria: ACMG Guidelines, 2015. Collection method: clinical testing. Allele origin: germline. Affected: yes.
Comment: The variant is not observed in the gnomAD v2.1.1 dataset. Predicted Consequence/Location: Missense variant In silico tool predictions suggest damaging effect of the variant on gene or gene product (REVEL: 0.95; 3Cnet: 0.80). Therefore, this variant is classified as VUS according to the recommendation of ACMG/AMP guideline.

NM_002693.3(POLG):c.1054A>C (p.Ser352Arg)

Gene: POLG (DNA polymerase gamma, catalytic subunit; minus strand). Cytogenetic location: 15q26.1.
Variant type: single nucleotide variant.
Coding change: c.1054A>C on transcript NM_002693.3 (MANE Select); coding-DNA position 1054, A replaced by C.
Protein change: p.Ser352Arg; replaces serine 352 with arginine.
Molecular consequence: missense variant.
Genome position (GRCh38, 1-based): chr15:89,328,801, T>G on the plus strand (A>C on the coding strand, the complement: POLG is on the minus strand). VCF-style: chr15-89328801-T-G. GRCh37 (hg19) VCF-style: chr15-89872032-T-G.
Other names: c.1054A>C, p.Ser352Arg (NM_001126131.2); short protein forms S352R.
Identifiers: ClinVar variation 3775998 (VCV003775998.1).